The following is an entry in ClinVar:

NM_203447.4(DOCK8):c.1238A>T (p.Asn413Ile)

Gene: DOCK8 (dedicator of cytokinesis 8; plus strand). Cytogenetic location: 9p24.3.
Variant type: single nucleotide variant.
Coding change: c.1238A>T on transcript NM_203447.4 (MANE Select); coding-DNA position 1238, A replaced by T.
Protein change: p.Asn413Ile; replaces asparagine 413 with isoleucine.
Molecular consequence: missense variant.
Genome position (GRCh38, 1-based): chr9:334,337, A>T. VCF-style: chr9-334337-A-T. GRCh37 (hg19) VCF-style: chr9-334337-A-T.
Other names: c.1034A>T, p.Asn345Ile (NM_001190458.2, NM_001193536.2); short protein forms N413I, N345I.
Identifiers: ClinVar variation 536601 (VCV000536601.6), dbSNP rs10970979, ClinGen allele CA372752801.

ClinVar aggregate classification (germline): Uncertain significance (1 of 4 stars; one submission).

Conditions:
Combined immunodeficiency due to DOCK8 deficiency (HIES2). Also called: HIES autosomal recessive; HYPER-IgE RECURRENT INFECTION SYNDROME 2, AUTOSOMAL RECESSIVE; Hyper-IgE recurrent infection syndrome, autosomal recessive; HYPER-IgE SYNDROME 2, AUTOSOMAL RECESSIVE, WITH RECURRENT INFECTIONS; DOCK8 Deficiency. Identifiers: Orphanet 217390, MedGen C4722305, MONDO:0009478, OMIM 243700.

gnomAD v4.1: 4 of 1,613,846 alleles (0.00025%); highest among the groups gnomAD compares: Non-Finnish European, 0.00034%; no homozygotes.

Submission:

Labcorp Genetics (formerly Invitae), Labcorp
Classification: Uncertain significance for Combined immunodeficiency due to DOCK8 deficiency. Last evaluated: 2022-03-14. Review status: criteria provided, single submitter. Criteria: Invitae Variant Classification Sherloc (09022015). Collection method: clinical testing. Allele origin: germline.
Comment: This sequence change replaces asparagine, which is neutral and polar, with isoleucine, which is neutral and non-polar, at codon 413 of the DOCK8 protein (p.Asn413Ile). This variant is not present in population databases (gnomAD no frequency). This variant has not been reported in the literature in individuals affected with DOCK8-related conditions. ClinVar contains an entry for this variant (Variation ID: 536601). Algorithms developed to predict the effect of missense changes on protein structure and function are either unavailable or do not agree on the potential impact of this missense change (SIFT: "Deleterious"; PolyPhen-2: "Benign"; Align-GVGD: "Class C0"). In summary, the available evidence is currently insufficient to determine the role of this variant in disease. Therefore, it has been classified as a Variant of Uncertain Significance.